The following is an entry in ClinVar:

NM_001035.3(RYR2):c.733C>G (p.Leu245Val)

Gene: RYR2 (ryanodine receptor 2; plus strand). Cytogenetic location: 1q43.
Variant type: single nucleotide variant.
Coding change: c.733C>G on transcript NM_001035.3 (MANE Select); coding-DNA position 733, C replaced by G.
Protein change: p.Leu245Val; replaces leucine 245 with valine.
Molecular consequence: missense variant.
Genome position (GRCh38, 1-based): chr1:237,388,143, C>G. VCF-style: chr1-237388143-C-G. GRCh37 (hg19) VCF-style: chr1-237551443-C-G.
Other names: c.733C>G (NM_001035.2); short protein forms L245V.
Identifiers: ClinVar variation 1172142 (VCV001172142.12), dbSNP rs2149847911, ClinGen allele CA345378307.

ClinVar aggregate classification (germline): Uncertain significance. Review status: criteria provided, multiple submitters, no conflicts (2 of 4 stars). 4 submissions from 4 submitters: Uncertain significance (4). Last evaluated 2026-05-20.

Conditions:
Catecholaminergic polymorphic ventricular tachycardia 1. Also called: VENTRICULAR TACHYCARDIA, CATECHOLAMINERGIC POLYMORPHIC, 1, WITH OR WITHOUT ATRIAL DYSFUNCTION AND/OR DILATED CARDIOMYOPATHY; RYR2-Related Catecholaminergic Polymorphic Ventricular Tachycardia; VENTRICULAR TACHYCARDIA, STRESS-INDUCED POLYMORPHIC 1. Identifiers: Orphanet 3286, MedGen C1631597, MONDO:0011484, OMIM 604772.
Cardiovascular phenotype. Identifiers: MedGen CN230736.
Catecholaminergic polymorphic ventricular tachycardia (CVPT). Also called: Catecholamine-induced polymorphic ventricular tachycardia. Identifiers: Orphanet 3286, MedGen C5574922, MONDO:0017990.
Cardiomyopathy (CMYO). Also called: Cardiomyopathies. Identifiers: Orphanet 167848, MedGen C0878544, MONDO:0004994, HP:0001638. Inheritance: Various modes of inheritance.

Submissions (4):

Ambry Genetics
Classification: Uncertain significance for Cardiovascular phenotype. Last evaluated: 2026-05-20. Review status: criteria provided, single submitter. Criteria: Ambry Variant Classification Scheme 2023. Collection method: clinical testing. Allele origin: germline.
Comment: The p.L245V variant (also known as c.733C>G), located in coding exon 10 of the RYR2 gene, results from a C to G substitution at nucleotide position 733. The leucine at codon 245 is replaced by valine, an amino acid with highly similar properties. This amino acid position is conserved. In addition, the in silico prediction for this alteration is inconclusive. Based on the available evidence, the clinical significance of this variant remains unclear.

All of Us Research Program, National Institutes of Health
Classification: Uncertain significance for Catecholaminergic polymorphic ventricular tachycardia. Last evaluated: 2024-09-23. Review status: criteria provided, single submitter. Criteria: ACMG Guidelines, 2015. Collection method: clinical testing. Allele origin: germline. Inheritance: Autosomal dominant inheritance. Observed: 1 variant allele, 1 heterozygote.
Comment: This missense variant replaces leucine with valine at codon 245 of the RYR2 protein. Computational prediction suggests that this variant may have deleterious impact on protein structure and function (internally defined REVEL score threshold >= 0.7, PMID: 27666373). To our knowledge, functional studies have not been reported for this variant. This variant has not been reported in individuals affected with cardiovascular disorders in the literature. This variant has not been identified in the general population by the Genome Aggregation Database (gnomAD). The available evidence is insufficient to determine the role of this variant in disease conclusively. Therefore, this variant is classified as a Variant of Uncertain Significance.

This study involves interpretation of variants in research participants for the purpose of population health screening. Participant phenotype was not available at the time of variant classification. Additional details can be found in publication PMID: 35346344, PMCID: PMC8962531

Color Diagnostics, LLC DBA Color Health
Classification: Uncertain significance for Cardiomyopathy. Last evaluated: 2024-03-07. Review status: criteria provided, single submitter. Criteria: ACMG Guidelines, 2015. Collection method: clinical testing. Allele origin: germline.
Comment: This missense variant replaces leucine with valine at codon 245 of the RYR2 protein. Computational prediction suggests that this variant may have deleterious impact on protein structure and function (internally defined REVEL score threshold >= 0.7, PMID: 27666373). To our knowledge, functional studies have not been reported for this variant. This variant has not been reported in individuals affected with cardiovascular disorders in the literature. This variant has not been identified in the general population by the Genome Aggregation Database (gnomAD). The available evidence is insufficient to determine the role of this variant in disease conclusively. Therefore, this variant is classified as a Variant of Uncertain Significance.

Labcorp Genetics (formerly Invitae), Labcorp
Classification: Uncertain significance for Catecholaminergic polymorphic ventricular tachycardia 1. Last evaluated: 2022-12-09. Review status: criteria provided, single submitter. Criteria: Invitae Variant Classification Sherloc (09022015). Collection method: clinical testing. Allele origin: germline.
Comment: In summary, the available evidence is currently insufficient to determine the role of this variant in disease. Therefore, it has been classified as a Variant of Uncertain Significance. Algorithms developed to predict the effect of missense changes on protein structure and function (SIFT, PolyPhen-2, Align-GVGD) all suggest that this variant is likely to be disruptive. ClinVar contains an entry for this variant (Variation ID: 1172142). This variant has not been reported in the literature in individuals affected with RYR2-related conditions. This variant is not present in population databases (gnomAD no frequency). This sequence change replaces leucine, which is neutral and non-polar, with valine, which is neutral and non-polar, at codon 245 of the RYR2 protein (p.Leu245Val).